The following is an entry in ClinVar:

NM_000057.4(BLM):c.4237del (p.Ser1413fs)

Gene: BLM (BLM RecQ like helicase; plus strand). Cytogenetic location: 15q26.1.
Variant type: Deletion.
Coding change: c.4237del on transcript NM_000057.4 (MANE Select); coding-DNA position 4237, one base deleted (T; older notation c.4237delT).
Protein change: p.Ser1413fs; shifts the reading frame from serine 1413.
Molecular consequence: frameshift variant.
Genome position (GRCh38, 1-based): chr15:90,815,262, T deleted; the last of 2 consecutive T bases (chr15:90,815,261-90,815,262); deleting either gives the same sequence. VCF-style (leftmost placement, unchanged base first): chr15-90815260-CT-C. GRCh37 (hg19) VCF-style: chr15-91358490-CT-C.
Other names: c.4237del, p.Ser1413fs (NM_001287246.2); c.3844del, p.Ser1282fs (NM_001287247.2); c.3112del, p.Ser1038fs (NM_001287248.2); short protein forms S1282fs, S1413fs, S1038fs.
Identifiers: ClinVar variation 824707 (VCV000824707.11), dbSNP rs1454179023, ClinGen allele CA619582152.

ClinVar aggregate classification (germline): Uncertain significance. Review status: criteria provided, multiple submitters, no conflicts (2 of 4 stars). 3 submissions from 3 submitters: Uncertain significance (2). 1 of the submissions does not count toward it. Last evaluated 2025-01-22.

Conditions:
Bloom syndrome (BLM). Also called: Bloom-Torre-Machacek syndrome. Identifiers: Orphanet 125, MedGen C0005859, MONDO:0008876, OMIM 210900.
Hereditary cancer-predisposing syndrome. Also called: Neoplastic Syndromes, Hereditary; Tumor predisposition; Hereditary neoplastic syndrome; Hereditary Cancer Syndrome. Identifiers: Orphanet 140162, MedGen C0027672, MeSH D009386, MONDO:0015356.

Submissions (3):

Labcorp Genetics (formerly Invitae), Labcorp
Classification: Uncertain significance for Bloom syndrome. Last evaluated: 2025-01-22. Review status: criteria provided, single submitter. Criteria: Invitae Variant Classification Sherloc (09022015). Collection method: clinical testing. Allele origin: germline.
Comment: This sequence change results in a frameshift in the BLM gene (p.Ser1413Hisfs*26). While this is not anticipated to result in nonsense mediated decay, it is expected to disrupt the last 5 amino acid(s) of the BLM protein and extend the protein by 20 additional amino acid residues. This variant is present in population databases (no rsID available, gnomAD 0.003%). This variant has not been reported in the literature in individuals affected with BLM-related conditions. ClinVar contains an entry for this variant (Variation ID: 824707). Experimental studies and prediction algorithms are not available or were not evaluated, and the functional significance of this variant is currently unknown. In summary, the available evidence is currently insufficient to determine the role of this variant in disease. Therefore, it has been classified as a Variant of Uncertain Significance.

Ambry Genetics
Classification: Uncertain significance for Hereditary cancer-predisposing syndrome. Last evaluated: 2019-11-10. Review status: criteria provided, single submitter. Criteria: Ambry Variant Classification Scheme 2023. Collection method: clinical testing. Allele origin: germline.
Comment: The c.4237delT variant, located in coding exon 21 of the BLM gene, results from a deletion of one nucleotide at nucleotide position 4237, causing a translational frameshift with a predicted alternate stop codon (p.S1413Hfs*26). Frameshifts are typically deleterious in nature, however, this frameshift occurs at the 3' terminus of BLM, is not expected to trigger nonsense-mediated mRNA decay, and results in the elongation of the protein by 20 amino acids. The exact functional impact of these inserted amino acids is unknown at this time. Since supporting evidence is limited at this time, the clinical significance of this alteration remains unclear.

Natera, Inc.
Classification: Uncertain significance for Bloom syndrome. Last evaluated: 2020-09-01. Review status: no assertion criteria provided. Collection method: clinical testing. Allele origin: germline. Not counted in ClinVar's aggregate classification.